The following is an entry in ClinVar:

ClinVar aggregate classification (germline): Uncertain significance (1 of 4 stars; one submission).

Conditions:
IFT172-related disorder. Also called: IFT172-related condition; IFT172-related disorders.

Submission:

PreventionGenetics, part of Exact Sciences
Classification: Uncertain significance for IFT172-related condition. Last evaluated: 2026-09-16. Review status: criteria provided, single submitter. Criteria: ACMG Guidelines, 2015. Collection method: clinical testing. Allele origin: germline.
Comment: The IFT172 c.2699T>G variant is predicted to result in the amino acid substitution p.Ile900Ser. To our knowledge, this variant has not been reported in the literature or in a large population database (gnomAD), indicating this variant is rare. At this time, the clinical significance of this variant is uncertain due to the absence of conclusive functional and genetic evidence.

NM_015662.3(IFT172):c.2699T>G (p.Ile900Ser)

Genes: IFT172 (intraflagellar transport 172; minus strand), LOC126806174 (CDK7 strongly-dependent group 2 enhancer GRCh37_chr2:27681686-27682885; plus strand). Cytogenetic location: 2p23.3.
Variant type: single nucleotide variant.
Coding change: c.2699T>G on transcript NM_015662.3 (MANE Select); coding-DNA position 2699, T replaced by G.
Protein change: p.Ile900Ser; replaces isoleucine 900 with serine.
Molecular consequence: missense variant.
Genome position (GRCh38, 1-based): chr2:27,459,466, A>C on the plus strand (T>G on the coding strand, the complement: IFT172 is on the minus strand). VCF-style: chr2-27459466-A-C. GRCh37 (hg19) VCF-style: chr2-27682333-A-C.
Other names: c.2633T>G, p.Ile878Ser (NM_001410739.1); short protein forms I878S, I900S.
Identifiers: ClinVar variation 4993189 (VCV004993189.1).